The following is an entry in ClinVar:

NM_021930.6(RINT1):c.533_554dup (p.Pro185_Glu186insSerAspAspGlnTer)

Gene: RINT1 (RAD50 interactor 1; plus strand). Cytogenetic location: 7q22.3.
Variant type: Duplication.
Coding change: c.533_554dup on transcript NM_021930.6 (MANE Select); coding-DNA positions 533 to 554, 22 bases duplicated (ATCTGATGACCAATAATGTACC).
Protein change: p.Pro185_Glu186insSerAspAspGlnTer.
Molecular consequence: nonsense, inframe insertion. On other transcripts: 5 prime UTR variant (2), non-coding transcript variant (1), intron variant (1).
Genome position (GRCh38, 1-based): chr7:105,546,927-105,546,948, ATCTGATGACCAATAATGTACC duplicated. VCF-style (leftmost placement, unchanged base first): chr7-105546926-T-TATCTGATGACCAATAATGTACC. GRCh37 (hg19) VCF-style: chr7-105187373-T-TATCTGATGACCAATAATGTACC.
Other names: c.299_320dup, p.Pro107_Glu108insSerAspAspGlnTer (NM_001346599.2); c.-487_-466dup (NM_001346600.2); c.-390_-369dup (NM_001346601.2); c.-27-3128_-27-3107dup (NM_001346603.2).
Identifiers: ClinVar variation 3314478 (VCV003314478.1).

ClinVar aggregate classification (germline): Uncertain significance (1 of 4 stars; one submission).

Submission:

Ambry Genetics
Classification: Uncertain significance. Last evaluated: 2024-06-07. Review status: criteria provided, single submitter. Criteria: Ambry Variant Classification Scheme 2023. Collection method: clinical testing. Allele origin: germline.
Comment: The c.533_554dup22 variant, located in coding exon 5 of the RINT1 gene, results from a duplication of ATCTGATGACCAATAATGTACC at nucleotide position 533, causing a translational frameshift with a predicted alternate stop codon (p.E186Sfs*5). This alteration is expected to result in loss of function by premature protein truncation or nonsense-mediated mRNA decay. The evidence for this gene-disease relationship is limited; therefore, the clinical significance of this alteration is unclear.